The following is an entry in ClinVar:

NM_182961.4(SYNE1):c.3541C>T (p.Leu1181Phe)

Gene: SYNE1 (spectrin repeat containing nuclear envelope protein 1; minus strand). Cytogenetic location: 6q25.2.
Variant type: single nucleotide variant.
Coding change: c.3541C>T on transcript NM_182961.4 (MANE Select); coding-DNA position 3541, C replaced by T.
Protein change: p.Leu1181Phe; replaces leucine 1181 with phenylalanine.
Molecular consequence: missense variant.
Genome position (GRCh38, 1-based): chr6:152,447,586, G>A on the plus strand (C>T on the coding strand, the complement: SYNE1 is on the minus strand). VCF-style: chr6-152447586-G-A. GRCh37 (hg19) VCF-style: chr6-152768721-G-A.
Other names: p.Leu1188Phe; c.3562C>T, p.Leu1188Phe (NM_033071.5); short protein forms L1181F, L1188F.
Identifiers: ClinVar variation 570484 (VCV000570484.9), dbSNP rs1203451912, ClinGen allele CA366148580.
Genomic context (GRCh38, chr6:152,447,586, plus strand): 5'-GGGCTTCATTCTCAGAAGAAACTTCTGTCAAAACTTTCAGCCTGGATTTCAGCCAGCTGA[G>A]GGTCTCACCCCTTTTGGTAACACCATTTCTGATCTCCTGAAATGAGAGAACACTTTTGAT-3'
Protein context (NP_892006.3, residues 1171-1191): RNGVTKRGET[Leu1181Phe]SWLKSRLKVL

ClinVar aggregate classification (germline): Uncertain significance. Review status: criteria provided, multiple submitters, no conflicts (2 of 4 stars). 2 submissions from 2 submitters: Uncertain significance (2). Last evaluated 2023-09-18.

Conditions:
Emery-Dreifuss muscular dystrophy 4, autosomal dominant (EDMD4). Also called: EMERY-DREIFUSS MUSCULAR DYSTROPHY 4 WITH VARIABLE FEATURES. Identifiers: Orphanet 261, MedGen C2751807, MONDO:0013071, OMIM 612998.
Autosomal recessive ataxia, Beauce type. Also called: SYNE1-Related Autosomal Recessive Cerebellar Ataxia; Spinocerebellar ataxia, autosomal recessive 8; ATAXIA, RECESSIVE, OF BEAUCE; SYNE1 Deficiency. Identifiers: Orphanet 88644, MedGen C1853116, MONDO:0012549, OMIM 610743.

Allele frequency attached by ClinVar (database versions not stated): gnomAD 0.00001; gnomAD exomes 0.00001.
gnomAD v4.1: 14 of 1,614,050 alleles (0.00087%); highest among the groups gnomAD compares: Non-Finnish European, 0.0012%; no homozygotes.

Submissions (2):

Mayo Clinic Laboratories, Mayo Clinic
Classification: Uncertain significance. Last evaluated: 2023-09-18. Review status: criteria provided, single submitter. Criteria: ACMG Guidelines, 2015. Collection method: clinical testing. Allele origin: germline. Observed: 1 variant allele.
Comment: BP4, PM2_moderate

Labcorp Genetics (formerly Invitae), Labcorp
Classification: Uncertain significance for Emery-Dreifuss muscular dystrophy 4, autosomal dominant; Autosomal recessive ataxia, Beauce type. Last evaluated: 2018-06-20. Review status: criteria provided, single submitter. Criteria: Invitae Variant Classification Sherloc (09022015). Collection method: clinical testing. Allele origin: germline.
Comment: This sequence change replaces leucine with phenylalanine at codon 1188 of the SYNE1 protein (p.Leu1188Phe). The leucine residue is highly conserved and there is a small physicochemical difference between leucine and phenylalanine. In summary, the available evidence is currently insufficient to determine the role of this variant in disease. Therefore, it has been classified as a Variant of Uncertain Significance. Algorithms developed to predict the effect of missense changes on protein structure and function are either unavailable or do not agree on the potential impact of this missense change (SIFT: "Tolerated"; PolyPhen-2: "Possibly Damaging"; Align-GVGD: "Class C0"). This variant has not been reported in the literature in individuals with SYNE1-related disease. This variant is not present in population databases (ExAC no frequency).